The following is an entry in ClinVar:

NM_001127222.2(CACNA1A):c.3277_3283del (p.Ser1093fs)

Gene: CACNA1A (calcium voltage-gated channel subunit alpha1 A; minus strand). Cytogenetic location: 19p13.13.
Variant type: Deletion.
Coding change: c.3277_3283del on transcript NM_001127222.2 (MANE Select); coding-DNA positions 3277 to 3283, 7 bases deleted (AGCCCAG; older notation c.3277_3283delAGCCCAG).
Protein change: p.Ser1093fs; shifts the reading frame from serine 1093.
Molecular consequence: frameshift variant.
Genome position (GRCh38, 1-based): chr19:13,286,773-13,286,779, CTGGGCT deleted on the plus strand (AGCCCAG on the coding strand, the reverse complement: CACNA1A is on the minus strand); deleting any 7 consecutive bases within chr19:13,286,773-13,286,784 gives the same sequence; the c. name uses the placement nearest the transcript's 3' end. VCF-style (leftmost placement, unchanged base first): chr19-13286772-GCTGGGCT-G. GRCh37 (hg19) VCF-style: chr19-13397586-GCTGGGCT-G.
Other names: c.3289_3295del, p.Ser1097fs (NM_000068.4, NM_023035.3); c.3280_3286del, p.Ser1094fs (NM_001127221.2, NM_001174080.2); short protein forms S1097fs, S1094fs, S1093fs.
Identifiers: ClinVar variation 1387896 (VCV001387896.6), dbSNP rs2144888569, ClinGen allele CA2573156124.

ClinVar aggregate classification (germline): Pathogenic (1 of 4 stars; one submission).

Conditions:
Developmental and epileptic encephalopathy, 42 (DEE42A). Also called: Epileptic encephalopathy, early infantile, 42; DEVELOPMENTAL AND EPILEPTIC ENCEPHALOPATHY 42A; EPILEPTIC ENCEPHALOPATHY, EARLY INFANTILE, 42A. Identifiers: MedGen C4310716, MONDO:0014917, OMIM 617106.
Episodic ataxia type 2 (EA2). Also called: EPISODIC ATAXIA, NYSTAGMUS-ASSOCIATED; ACETAZOLAMIDE-RESPONSIVE HEREDITARY PAROXYSMAL CEREBELLAR ATAXIA; ATAXIA, EPISODIC, WITH NYSTAGMUS; ATAXIA, FAMILIAL PAROXYSMAL; CEREBELLAR ATAXIA, PAROXYSMAL, ACETAZOLAMIDE-RESPONSIVE; CEREBELLOPATHY, HEREDITARY PAROXYSMAL. Identifiers: Orphanet 97, MedGen C1720416, MONDO:0007163, OMIM 108500.

Submission:

Labcorp Genetics (formerly Invitae), Labcorp
Classification: Pathogenic for Developmental and epileptic encephalopathy, 42; Episodic ataxia type 2. Last evaluated: 2021-01-12. Review status: criteria provided, single submitter. Criteria: Invitae Variant Classification Sherloc (09022015). Collection method: clinical testing. Allele origin: germline.
Comment: This variant has not been reported in the literature in individuals with CACNA1A-related conditions. This variant is not present in population databases (ExAC no frequency). This sequence change creates a premature translational stop signal (p.Ser1094Profs*91) in the CACNA1A gene. It is expected to result in an absent or disrupted protein product. Loss-of-function variants in CACNA1A are known to be pathogenic (PMID: 10371528, 19486177, 25735478, 27250579). For these reasons, this variant has been classified as Pathogenic.

Literature cited by the submitters: PubMed 10371528; PubMed 19486177; PubMed 25735478; PubMed 27250579.